The following is an entry in ClinVar:

ClinVar aggregate classification (germline): Uncertain significance (1 of 4 stars; one submission).

Submission:

Ambry Genetics
Classification: Uncertain significance. Last evaluated: 2026-03-13. Review status: criteria provided, single submitter. Criteria: Ambry Variant Classification Scheme 2023. Collection method: clinical testing. Allele origin: germline.
Comment: The p.S1346L variant (also known as c.4037C>T), located in coding exon 19 of the WNK2 gene, results from a C to T substitution at nucleotide position 4037. The serine at codon 1346 is replaced by leucine, an amino acid with dissimilar properties. This amino acid position is conserved. In addition, this alteration is predicted to be tolerated by in silico analysis. Based on the available evidence, the clinical significance of this variant remains unclear.

NM_006648.4(WNK2):c.4037C>T (p.Ser1346Leu)

Gene: WNK2 (WNK lysine deficient protein kinase 2; plus strand). Cytogenetic location: 9q22.31.
Variant type: single nucleotide variant.
Coding change: c.4037C>T on transcript NM_006648.4 (MANE Select); coding-DNA position 4037, C replaced by T.
Protein change: p.Ser1346Leu; replaces serine 1346 with leucine.
Molecular consequence: missense variant.
Genome position (GRCh38, 1-based): chr9:93,288,791, C>T. VCF-style: chr9-93288791-C-T. GRCh37 (hg19) VCF-style: chr9-96051073-C-T.
Other names: c.4148C>T, p.Ser1383Leu (NM_001282394.3); short protein forms S1346L, S1383L.
Identifiers: ClinVar variation 4826261 (VCV004826261.1).